The following is an entry in ClinVar:

ClinVar aggregate classification (germline): Uncertain significance (1 of 4 stars; one submission).

Allele frequency attached by ClinVar (database versions not stated): gnomAD exomes 0.00001; ExAC 0.00002; gnomAD 0.00002; TOPMed 0.00003.
gnomAD v4.1: 18 of 1,613,740 alleles (0.0011%); highest among the groups gnomAD compares: South Asian, 0.0022%; no homozygotes.

Submission:

Labcorp Genetics (formerly Invitae), Labcorp
Classification: Uncertain significance. Last evaluated: 2022-10-28. Review status: criteria provided, single submitter. Criteria: Invitae Variant Classification Sherloc (09022015). Collection method: clinical testing. Allele origin: germline.
Comment: Experimental studies and prediction algorithms are not available or were not evaluated, and the functional significance of this variant is currently unknown. In summary, the available evidence is currently insufficient to determine the role of this variant in disease. Therefore, it has been classified as a Variant of Uncertain Significance. ClinVar contains an entry for this variant (Variation ID: 1427077). This sequence change replaces arginine, which is basic and polar, with cysteine, which is neutral and slightly polar, at codon 2065 of the HTT protein (p.Arg2065Cys). This variant is present in population databases (rs746044552, gnomAD 0.008%). This variant has not been reported in the literature in individuals affected with HTT-related conditions.

NM_001388492.1(HTT):c.6187C>T (p.Arg2063Cys)

Gene: HTT (huntingtin; plus strand). Cytogenetic location: 4p16.3.
Variant type: single nucleotide variant.
Coding change: c.6187C>T on transcript NM_001388492.1 (MANE Select); coding-DNA position 6187, C replaced by T.
Protein change: p.Arg2063Cys; replaces arginine 2063 with cysteine.
Molecular consequence: missense variant.
Genome position (GRCh38, 1-based): chr4:3,208,807, C>T. VCF-style: chr4-3208807-C-T. GRCh37 (hg19) VCF-style: chr4-3210534-C-T.
Other names: c.6193C>T, p.Arg2065Cys (NM_002111.8); short protein forms R2063C, R2065C.
Identifiers: ClinVar variation 1427077 (VCV001427077.6), dbSNP rs746044552, ClinGen allele CA2824966.